The following is an entry in ClinVar:

ClinVar aggregate classification (germline): Uncertain significance. Review status: criteria provided, multiple submitters, no conflicts (2 of 4 stars). 2 submissions from 2 submitters: Uncertain significance (2). Last evaluated 2026-01-05.

Conditions:
Symmetrical dyschromatosis of extremities (DSH). Also called: RETICULATE ACROPIGMENTATION OF DOHI; SYMMETRIC DYSCHROMATOSIS OF THE EXTREMITIES; Dyschromatosis symmetrica hereditaria; DYSCHROMATOSIS SYMMETRICA HEREDITARIA 1. Identifiers: Orphanet 41, MedGen C0406775, MONDO:0007483, OMIM 127400.
Aicardi-Goutieres syndrome 6 (AGS6). Identifiers: Orphanet 51, MedGen C3539013, MONDO:0014007, OMIM 615010.
Inborn genetic diseases. Identifiers: MedGen C0950123, MeSH D030342.

Allele frequency attached by ClinVar (database versions not stated): gnomAD exomes 0.00001 and 0.00002; TOPMed 0.00001; ExAC 0.00002.
gnomAD v4.1: 4 of 1,613,984 alleles (0.00025%); highest among the groups gnomAD compares: Admixed American, 0.0067%; no homozygotes.

Submissions (2):

Labcorp Genetics (formerly Invitae), Labcorp
Classification: Uncertain significance for Aicardi-Goutieres syndrome 6; Symmetrical dyschromatosis of extremities. Last evaluated: 2026-01-05. Review status: criteria provided, single submitter. Criteria: Invitae Variant Classification Sherloc (09022015). Collection method: clinical testing. Allele origin: germline.
Comment: This sequence change replaces serine, which is neutral and polar, with alanine, which is neutral and non-polar, at codon 862 of the ADAR protein (p.Ser862Ala). This variant is present in population databases (rs776268194, gnomAD 0.01%). This variant has not been reported in the literature in individuals affected with ADAR-related conditions. ClinVar contains an entry for this variant (Variation ID: 1418981). Invitae Evidence Modeling of protein sequence and biophysical properties (such as structural, functional, and spatial information, amino acid conservation, physicochemical variation, residue mobility, and thermodynamic stability) has been performed for this missense variant. However, the output from this modeling did not meet the statistical confidence thresholds required to predict the impact of this variant on ADAR protein function. In summary, the available evidence is currently insufficient to determine the role of this variant in disease. Therefore, it has been classified as a Variant of Uncertain Significance.

Ambry Genetics
Classification: Uncertain significance for Inborn genetic diseases. Last evaluated: 2025-04-24. Review status: criteria provided, single submitter. Criteria: Ambry Variant Classification Scheme 2023. Collection method: clinical testing. Allele origin: germline.

NM_001111.5(ADAR):c.2584T>G (p.Ser862Ala)

Genes: ADAR (adenosine deaminase RNA specific; minus strand), LOC126805874 (CDK7 strongly-dependent group 2 enhancer GRCh37_chr1:154561176-154562375; plus strand). Cytogenetic location: 1q21.3.
Variant type: single nucleotide variant.
Coding change: c.2584T>G on transcript NM_001111.5 (MANE Select); coding-DNA position 2584, T replaced by G.
Protein change: p.Ser862Ala; replaces serine 862 with alanine.
Molecular consequence: missense variant.
Genome position (GRCh38, 1-based): chr1:154,589,841, A>C on the plus strand (T>G on the coding strand, the complement: ADAR is on the minus strand). VCF-style: chr1-154589841-A-C. GRCh37 (hg19) VCF-style: chr1-154562317-A-C.
Other names: c.1699T>G, p.Ser567Ala (NM_001025107.3, NM_001193495.2, NM_001365046.1 and 2 more transcripts); c.2611T>G, p.Ser871Ala (NM_001365045.1); c.1621T>G, p.Ser541Ala (NM_001365049.1); c.2506T>G, p.Ser836Ala (NM_015840.4); c.2449T>G, p.Ser817Ala (NM_015841.4); c.2584T>G (NM_001111.4); short protein forms S541A, S567A, S817A, S836A, S862A, S871A.
Identifiers: ClinVar variation 1418981 (VCV001418981.7), dbSNP rs776268194, ClinGen allele CA1131224.
Genomic context (GRCh38, chr1:154,589,841, plus strand): 5'-CCATGTCCTCAGAGTCTTTTTTCATAATGATGGCGGCCAGAATCTTGCGGCCGAGCAAGG[A>C]GGGCTGGAAGCTGTTAGTCAGAGTGTTGAAGCACCGGTGGCTCAGCATGGCTATCTGGTC-3'
Protein context (NP_001102.3, residues 852-872): FNTLTNSFQP[Ser862Ala]LLGRKILAAI